The following is an entry in ClinVar:

NM_001963.6(EGF):c.2708A>G (p.Tyr903Cys)

Gene: EGF (epidermal growth factor; plus strand). Cytogenetic location: 4q25.
Variant type: single nucleotide variant.
Coding change: c.2708A>G on transcript NM_001963.6 (MANE Select); coding-DNA position 2708, A replaced by G.
Protein change: p.Tyr903Cys; replaces tyrosine 903 with cysteine.
Molecular consequence: missense variant. On other transcripts: intron variant (1).
Genome position (GRCh38, 1-based): chr4:109,988,683, A>G. VCF-style: chr4-109988683-A-G. GRCh37 (hg19) VCF-style: chr4-110909839-A-G.
Other names: c.2708A>G, p.Tyr903Cys (NM_001178130.3); c.2582A>G, p.Tyr861Cys (NM_001178131.3); c.2366-4564A>G (NM_001357021.2); short protein forms Y903C, Y861C.
Identifiers: ClinVar variation 2151142 (VCV002151142.4), dbSNP rs746246476, ClinGen allele CA3044053.

ClinVar aggregate classification (germline): Uncertain significance (1 of 4 stars; one submission).

Allele frequency attached by ClinVar (database versions not stated): ExAC 0.00001; gnomAD 0.00001; gnomAD exomes 0.00001.
gnomAD v4.1: 22 of 1,614,036 alleles (0.0014%); highest among the groups gnomAD compares: Non-Finnish European, 0.0014%; no homozygotes.

Submission:

Labcorp Genetics (formerly Invitae), Labcorp
Classification: Uncertain significance. Last evaluated: 2022-11-08. Review status: criteria provided, single submitter. Criteria: Invitae Variant Classification Sherloc (09022015). Collection method: clinical testing. Allele origin: germline.
Comment: In summary, the available evidence is currently insufficient to determine the role of this variant in disease. Therefore, it has been classified as a Variant of Uncertain Significance. Algorithms developed to predict the effect of missense changes on protein structure and function are either unavailable or do not agree on the potential impact of this missense change (SIFT: "Not Available"; PolyPhen-2: "Probably Damaging"; Align-GVGD: "Not Available"). This variant has not been reported in the literature in individuals affected with EGF-related conditions. This variant is present in population databases (rs746246476, gnomAD 0.002%). This sequence change replaces tyrosine, which is neutral and polar, with cysteine, which is neutral and slightly polar, at codon 903 of the EGF protein (p.Tyr903Cys).